The following is an entry in ClinVar:

NM_080680.3(COL11A2):c.4030A>G (p.Ile1344Val)

Gene: COL11A2 (collagen type XI alpha 2 chain; minus strand). Cytogenetic location: 6p21.32.
Variant type: single nucleotide variant.
Coding change: c.4030A>G on transcript NM_080680.3 (MANE Select); coding-DNA position 4030, A replaced by G.
Protein change: p.Ile1344Val; replaces isoleucine 1344 with valine.
Molecular consequence: missense variant.
Genome position (GRCh38, 1-based): chr6:33,167,518, T>C on the plus strand (A>G on the coding strand, the complement: COL11A2 is on the minus strand). VCF-style: chr6-33167518-T-C. GRCh37 (hg19) VCF-style: chr6-33135295-T-C.
Other names: c.3709A>G, p.Ile1237Val (NM_080679.3); c.3772A>G, p.Ile1258Val (NM_080681.3); short protein forms I1237V, I1258V, I1344V.
Identifiers: ClinVar variation 2156260 (VCV002156260.4), dbSNP rs2534587983, ClinGen allele CA363623750.

ClinVar aggregate classification (germline): Uncertain significance (1 of 4 stars; one submission).

Submission:

Labcorp Genetics (formerly Invitae), Labcorp
Classification: Uncertain significance. Last evaluated: 2025-04-08. Review status: criteria provided, single submitter. Criteria: Invitae Variant Classification Sherloc (09022015). Collection method: clinical testing. Allele origin: germline.
Comment: This sequence change replaces isoleucine, which is neutral and non-polar, with valine, which is neutral and non-polar, at codon 1344 of the COL11A2 protein (p.Ile1344Val). This variant is not present in population databases (gnomAD no frequency). This variant has not been reported in the literature in individuals affected with COL11A2-related conditions. ClinVar contains an entry for this variant (Variation ID: 2156260). Invitae Evidence Modeling of protein sequence and biophysical properties (such as structural, functional, and spatial information, amino acid conservation, physicochemical variation, residue mobility, and thermodynamic stability) indicates that this missense variant is not expected to disrupt COL11A2 protein function with a negative predictive value of 95%. In summary, the available evidence is currently insufficient to determine the role of this variant in disease. Therefore, it has been classified as a Variant of Uncertain Significance.